The following is an entry in ClinVar:

ClinVar aggregate classification (germline): Likely benign (1 of 4 stars; one submission).

Allele frequency attached by ClinVar (database versions not stated): 1000 Genomes Project 0.00399; 1000 Genomes Project 30x 0.00406; TOPMed 0.00502; gnomAD 0.00640; ESP Exome Variant Server 0.00701; gnomAD exomes 0.00957; ExAC 0.01320.
gnomAD v4.1: 13,862 of 1,511,436 alleles (0.92%); highest among the groups gnomAD compares: Non-Finnish European, 1%; 87 homozygotes.

Submission:

CeGaT Center for Human Genetics Tuebingen
Classification: Likely benign. Last evaluated: 2022-12-01. Review status: criteria provided, single submitter. Criteria: CeGaT Center For Human Genetics Tuebingen Variant Classification Criteria Version 2. Collection method: clinical testing. Allele origin: germline. Affected: yes. Observed: 2 variant alleles.
Comment: ADGB: BP4, BS2

NM_024694.4(ADGB):c.403-7T>C

Gene: ADGB (androglobin; plus strand). Cytogenetic location: 6q24.3.
Variant type: single nucleotide variant.
Coding change: c.403-7T>C on transcript NM_024694.4 (MANE Select); 7 bases into the intron before coding-DNA position 403, T replaced by C.
Molecular consequence: intron variant.
Genome position (GRCh38, 1-based): chr6:146,656,764, T>C. VCF-style: chr6-146656764-T-C. GRCh37 (hg19) VCF-style: chr6-146977900-T-C.
Identifiers: ClinVar variation 2656976 (VCV002656976.24), dbSNP rs76071490, ClinGen allele CA4037989.
Genomic context (GRCh38, chr6:146,656,764, plus strand): 5'-TTATCCCTAAATTACAGTACCTACAACTGAAAAATAACCAATTAACCCTAATGTTTTTTA[T>C]CTCTAGCTGATGAGATGGATTATCAGTGAAATCTATGCAGTGTGGAAGATCTTCAATGGA-3'